The following is an entry in ClinVar:

NM_001793.6(CDH3):c.1093A>G (p.Thr365Ala)

Gene: CDH3 (cadherin 3; plus strand). Cytogenetic location: 16q22.1.
Variant type: single nucleotide variant.
Coding change: c.1093A>G on transcript NM_001793.6 (MANE Select); coding-DNA position 1093, A replaced by G.
Protein change: p.Thr365Ala; replaces threonine 365 with alanine.
Molecular consequence: missense variant.
Genome position (GRCh38, 1-based): chr16:68,682,398, A>G. VCF-style: chr16-68682398-A-G. GRCh37 (hg19) VCF-style: chr16-68716301-A-G.
Other names: c.1093A>G, p.Thr365Ala (NM_001317195.3); c.928A>G, p.Thr310Ala (NM_001317196.2); c.1093A>G (NM_001793.4); short protein forms T310A, T365A.
Identifiers: ClinVar variation 1018704 (VCV001018704.11), dbSNP rs778328354, ClinGen allele CA8129254.

ClinVar aggregate classification (germline): Uncertain significance. Review status: criteria provided, multiple submitters, no conflicts (2 of 4 stars). 2 submissions from 2 submitters: Uncertain significance (2). Last evaluated 2025-08-14.

Conditions:
Inborn genetic diseases. Identifiers: MedGen C0950123, MeSH D030342.

Allele frequency attached by ClinVar (database versions not stated): gnomAD 0.00001; ExAC 0.00002; gnomAD exomes 0.00002 and 0.00006.
gnomAD v4.1: 36 of 1,613,904 alleles (0.0022%); highest among the groups gnomAD compares: East Asian, 0.08%; no homozygotes.

Submissions (2):

Ambry Genetics
Classification: Uncertain significance for Inborn genetic diseases. Last evaluated: 2025-08-14. Review status: criteria provided, single submitter. Criteria: Ambry Variant Classification Scheme 2023. Collection method: clinical testing. Allele origin: germline.

Labcorp Genetics (formerly Invitae), Labcorp
Classification: Uncertain significance. Last evaluated: 2022-06-13. Review status: criteria provided, single submitter. Criteria: Invitae Variant Classification Sherloc (09022015). Collection method: clinical testing. Allele origin: germline.
Comment: In summary, the available evidence is currently insufficient to determine the role of this variant in disease. Therefore, it has been classified as a Variant of Uncertain Significance. Algorithms developed to predict the effect of missense changes on protein structure and function output the following: SIFT: "Not Available"; PolyPhen-2: "Benign"; Align-GVGD: "Not Available". The alanine amino acid residue is found in multiple mammalian species, which suggests that this missense change does not adversely affect protein function. ClinVar contains an entry for this variant (Variation ID: 1018704). This variant has not been reported in the literature in individuals affected with CDH3-related conditions. This variant is present in population databases (rs778328354, gnomAD 0.03%). This sequence change replaces threonine, which is neutral and polar, with alanine, which is neutral and non-polar, at codon 365 of the CDH3 protein (p.Thr365Ala).